The following is an entry in ClinVar:

NM_018975.4(TERF2IP):c.245A>G (p.Gln82Arg)

Gene: TERF2IP (TERF2 interacting protein; plus strand). Cytogenetic location: 16q23.1.
Variant type: single nucleotide variant.
Coding change: c.245A>G on transcript NM_018975.4 (MANE Select); coding-DNA position 245, A replaced by G.
Protein change: p.Gln82Arg; replaces glutamine 82 with arginine.
Molecular consequence: missense variant. On other transcripts: non-coding transcript variant (1).
Genome position (GRCh38, 1-based): chr16:75,648,127, A>G. VCF-style: chr16-75648127-A-G. GRCh37 (hg19) VCF-style: chr16-75682025-A-G.
Other names: short protein forms Q82R.
Identifiers: ClinVar variation 3227161 (VCV003227161.1), dbSNP rs2507073160, ClinGen allele CA396817514.

ClinVar aggregate classification (germline): Uncertain significance (1 of 4 stars; one submission).

Submission:

Ambry Genetics
Classification: Uncertain significance. Last evaluated: 2024-02-02. Review status: criteria provided, single submitter. Criteria: Ambry Variant Classification Scheme 2023. Collection method: clinical testing. Allele origin: germline.
Comment: The p.Q82R variant (also known as c.245A>G), located in coding exon 1 of the TERF2IP gene, results from an A to G substitution at nucleotide position 245. The glutamine at codon 82 is replaced by arginine, an amino acid with highly similar properties. This amino acid position is conserved. In addition, this alteration is predicted to be tolerated by in silico analysis. Based on the available evidence, the clinical significance of this alteration remains unclear.